The following is an entry in ClinVar:

NM_001321967.2(ATAD1):c.274G>A (p.Asp92Asn)

Gene: ATAD1 (ATPase family AAA domain containing 1; minus strand). Cytogenetic location: 10q23.31.
Variant type: single nucleotide variant.
Coding change: c.274G>A on transcript NM_001321967.2 (MANE Select); coding-DNA position 274, G replaced by A.
Protein change: p.Asp92Asn; replaces aspartic acid 92 with asparagine.
Molecular consequence: missense variant. On other transcripts: 5 prime UTR variant (1), non-coding transcript variant (1).
Genome position (GRCh38, 1-based): chr10:87,790,418, C>T on the plus strand (G>A on the coding strand, the complement: ATAD1 is on the minus strand). VCF-style: chr10-87790418-C-T. GRCh37 (hg19) VCF-style: chr10-89550175-C-T.
Other names: c.274G>A, p.Asp92Asn (NM_001321968.2, NM_032810.4); c.-174G>A (NM_001321969.2); short protein forms D92N.
Identifiers: ClinVar variation 1507108 (VCV001507108.6), dbSNP rs2131922008, ClinGen allele CA377492115.

ClinVar aggregate classification (germline): Uncertain significance (1 of 4 stars; one submission).

Submission:

Labcorp Genetics (formerly Invitae), Labcorp
Classification: Uncertain significance. Last evaluated: 2021-02-03. Review status: criteria provided, single submitter. Criteria: Invitae Variant Classification Sherloc (09022015). Collection method: clinical testing. Allele origin: germline.
Comment: In summary, the available evidence is currently insufficient to determine the role of this variant in disease. Therefore, it has been classified as a Variant of Uncertain Significance. Algorithms developed to predict the effect of missense changes on protein structure and function are either unavailable or do not agree on the potential impact of this missense change (SIFT: "Not Available"; PolyPhen-2: "Benign"; Align-GVGD: "Not Available"). This variant has not been reported in the literature in individuals with ATAD1-related conditions. This variant is not present in population databases (ExAC no frequency). This sequence change replaces aspartic acid with asparagine at codon 92 of the ATAD1 protein (p.Asp92Asn). The aspartic acid residue is moderately conserved and there is a small physicochemical difference between aspartic acid and asparagine.